The following is an entry in ClinVar:

ClinVar aggregate classification (germline): Uncertain significance (1 of 4 stars; one submission).

Allele frequency attached by ClinVar (database versions not stated): gnomAD exomes below 0.00001.
gnomAD v4.1: 1 of 1,607,508 alleles (0.000062%); highest among the groups gnomAD compares: Admixed American, 0.0017%; no homozygotes.

Submission:

Ambry Genetics
Classification: Uncertain significance. Last evaluated: 2025-03-29. Review status: criteria provided, single submitter. Criteria: Ambry Variant Classification Scheme 2023. Collection method: clinical testing. Allele origin: germline.
Comment: The p.S246F variant (also known as c.737C>T), located in coding exon 5 of the ATRIP gene, results from a C to T substitution at nucleotide position 737. The serine at codon 246 is replaced by phenylalanine, an amino acid with highly dissimilar properties. This amino acid position is conserved. In addition, this alteration is predicted to be tolerated by in silico analysis. Based on the available evidence, the clinical significance of this variant remains unclear.

NM_130384.3(ATRIP):c.737C>T (p.Ser246Phe)

Genes: ATRIP-TREX1 (ATRIP-TREX1 readthrough; plus strand), ATRIP (ATR interacting protein; plus strand). Cytogenetic location: 3p21.31.
Variant type: single nucleotide variant.
Coding change: c.737C>T on transcript NM_130384.3 (MANE Select); coding-DNA position 737, C replaced by T.
Protein change: p.Ser246Phe; replaces serine 246 with phenylalanine.
Molecular consequence: missense variant. On other transcripts: non-coding transcript variant (1).
Genome position (GRCh38, 1-based): chr3:48,457,324, C>T. VCF-style: chr3-48457324-C-T. GRCh37 (hg19) VCF-style: chr3-48498724-C-T.
Other names: c.356C>T, p.Ser119Phe (NM_001271022.2); c.458C>T, p.Ser153Phe (NM_001271023.2); c.737C>T, p.Ser246Phe (NM_032166.4); short protein forms S153F, S246F, S119F.
Identifiers: ClinVar variation 2236572 (VCV002236572.3), dbSNP rs1301434256, ClinGen allele CA352715781.